The following is an entry in ClinVar:

NM_001291303.3(FAT4):c.3294T>A (p.Pro1098=)

Gene: FAT4 (FAT atypical cadherin 4; plus strand). Cytogenetic location: 4q28.1.
Variant type: single nucleotide variant.
Coding change: c.3294T>A on transcript NM_001291303.3 (MANE Select); coding-DNA position 3294, T replaced by A.
Protein change: p.Pro1098=; no amino-acid change (proline 1098 retained).
Molecular consequence: synonymous variant.
Genome position (GRCh38, 1-based): chr4:125,319,705, T>A. VCF-style: chr4-125319705-T-A. GRCh37 (hg19) VCF-style: chr4-126240860-T-A.
Other names: c.3294T>A, p.Pro1098= (NM_001291285.3, NM_024582.6).
Identifiers: ClinVar variation 509829 (VCV000509829.38), dbSNP rs200300207, ClinGen allele CA3072292.
Genomic context (GRCh38, chr4:125,319,705, plus strand): 5'-ACCCCTTAGTGCTACTGTGAATGTTACTGTAATTTTAGAAGATGTAAATGATAACAGACC[T>A]CTTTTTAACAGTACCAATTACACATTTTACTTCGAAGAAGAGCAGAGGGCTGGGTCGTTT-3'
Protein context (NP_001278232.1, residues 1088-1108): VILEDVNDNR[Pro1098=]LFNSTNYTFY

ClinVar aggregate classification (germline): Likely benign. Review status: criteria provided, multiple submitters, no conflicts (2 of 4 stars). 5 submissions from 5 submitters: Likely benign (4). 1 of the submissions does not count toward it. Last evaluated 2026-02-03.

Conditions:
FAT4-related disorder. Also called: FAT4-related condition.

Allele frequency attached by ClinVar (database versions not stated): ExAC 0.00099; gnomAD exomes 0.00107 and 0.00203; TOPMed 0.00128; gnomAD 0.00133 and 0.00140; ESP Exome Variant Server 0.00176.
gnomAD v4.1: 3,097 of 1,614,086 alleles (0.19%); highest among the groups gnomAD compares: Non-Finnish European, 0.25%; 6 homozygotes.

Submissions (5):

Labcorp Genetics (formerly Invitae), Labcorp
Classification: Likely benign. Last evaluated: 2026-02-03. Review status: criteria provided, single submitter. Criteria: Invitae Variant Classification Sherloc (09022015). Collection method: clinical testing. Allele origin: germline.

Blueprint Genetics
Classification: Likely benign. Last evaluated: 2024-11-11. Review status: criteria provided, single submitter. Criteria: ACMG Guidelines, 2015. Collection method: clinical testing. Allele origin: germline.

CeGaT Center for Human Genetics Tuebingen
Classification: Likely benign. Last evaluated: 2024-03-01. Review status: criteria provided, single submitter. Criteria: CeGaT Center For Human Genetics Tuebingen Variant Classification Criteria Version 2. Collection method: clinical testing. Allele origin: germline. Affected: yes. Observed: 5 variant alleles.
Comment: FAT4: BP4, BP7

GeneDx
Classification: Likely benign. Last evaluated: 2020-08-25. Review status: criteria provided, single submitter. Criteria: GeneDx Variant Classification Process June 2021. Collection method: clinical testing. Allele origin: germline. Affected: yes.

PreventionGenetics, part of Exact Sciences
Classification: Likely benign for FAT4-related condition. Last evaluated: 2020-12-17. Review status: no assertion criteria provided. Collection method: clinical testing. Allele origin: germline. Not counted in ClinVar's aggregate classification.
Comment: This variant is classified as likely benign based on ACMG/AMP sequence variant interpretation guidelines (Richards et al. 2015 PMID: 25741868, with internal and published modifications).